The following is an entry in ClinVar:

ClinVar aggregate classification (germline): Pathogenic (1 of 4 stars; one submission).

Conditions:
Developmental and epileptic encephalopathy 94 (DEE94). Also called: CHD2-Related Neurodevelopmental Disorders; Epileptic encephalopathy, childhood-onset. Identifiers: Orphanet 1942, Orphanet 2382, MedGen C3809278, MONDO:0014150, OMIM 615369.

Submission:

Labcorp Genetics (formerly Invitae), Labcorp
Classification: Pathogenic for Developmental and epileptic encephalopathy 94. Last evaluated: 2021-09-17. Review status: criteria provided, single submitter. Criteria: Invitae Variant Classification Sherloc (09022015). Collection method: clinical testing. Allele origin: germline.
Comment: For these reasons, this variant has been classified as Pathogenic. This variant has not been reported in the literature in individuals affected with CHD2-related conditions. This variant is not present in population databases (ExAC no frequency). This sequence change creates a premature translational stop signal (p.Lys219Glnfs*10) in the CHD2 gene. It is expected to result in an absent or disrupted protein product. Loss-of-function variants in CHD2 are known to be pathogenic (PMID: 23708187, 24207121).

Literature cited by the submitters: PubMed 23708187; PubMed 24207121.

NM_001271.4(CHD2):c.654dup (p.Lys219fs)

Gene: CHD2 (chromodomain helicase DNA binding protein 2; plus strand). Cytogenetic location: 15q26.1.
Variant type: Duplication.
Coding change: c.654dup on transcript NM_001271.4 (MANE Select); coding-DNA position 654, one base duplicated (C; older notation c.654dupC).
Protein change: p.Lys219fs; shifts the reading frame from lysine 219.
Molecular consequence: frameshift variant.
Genome position (GRCh38, 1-based): chr15:92,939,680, C duplicated; the last of 3 consecutive C bases (chr15:92,939,678-92,939,680); duplicating any one gives the same sequence. VCF-style (leftmost placement, unchanged base first): chr15-92939677-T-TC. GRCh37 (hg19) VCF-style: chr15-93482907-T-TC.
Other names: c.654dup, p.Lys219fs (NM_001042572.3); short protein forms K219fs.
Identifiers: ClinVar variation 1381751 (VCV001381751.6), dbSNP rs2141778479, ClinGen allele CA2573151498.